The following is an entry in ClinVar:

NM_016188.5(ACTL6B):c.50A>C (p.Asp17Ala)

Gene: ACTL6B (actin like 6B; minus strand). Cytogenetic location: 7q22.1.
Variant type: single nucleotide variant.
Coding change: c.50A>C on transcript NM_016188.5 (MANE Select); coding-DNA position 50, A replaced by C.
Protein change: p.Asp17Ala; replaces aspartic acid 17 with alanine.
Molecular consequence: missense variant. On other transcripts: non-coding transcript variant (1).
Genome position (GRCh38, 1-based): chr7:100,655,855, T>G on the plus strand (A>C on the coding strand, the complement: ACTL6B is on the minus strand). VCF-style: chr7-100655855-T-G. GRCh37 (hg19) VCF-style: chr7-100253478-T-G.
Other names: short protein forms D17A.
Identifiers: ClinVar variation 1723579 (VCV001723579.2), dbSNP rs2486172399, ClinGen allele CA368550187.

ClinVar aggregate classification (germline): Uncertain significance (1 of 4 stars; one submission).

Submission:

GeneDx
Classification: Uncertain significance. Last evaluated: 2022-05-09. Review status: criteria provided, single submitter. Criteria: GeneDx Variant Classification Process June 2021. Collection method: clinical testing. Allele origin: germline. Affected: yes.
Comment: Not observed at significant frequency in large population cohorts (gnomAD); In silico analysis supports that this missense variant has a deleterious effect on protein structure/function; Has not been previously published as pathogenic or benign to our knowledge